The following is an entry in ClinVar:

NM_002439.5(MSH3):c.582C>G (p.Asp194Glu)

Gene: MSH3 (mutS homolog 3; plus strand). Cytogenetic location: 5q14.1.
Variant type: single nucleotide variant.
Coding change: c.582C>G on transcript NM_002439.5 (MANE Select); coding-DNA position 582, C replaced by G.
Protein change: p.Asp194Glu; replaces aspartic acid 194 with glutamic acid.
Molecular consequence: missense variant.
Genome position (GRCh38, 1-based): chr5:80,670,099, C>G. VCF-style: chr5-80670099-C-G. GRCh37 (hg19) VCF-style: chr5-79965918-C-G.
Other names: c.582C>G (NM_002439.3); short protein forms D194E.
Identifiers: ClinVar variation 643090 (VCV000643090.50), dbSNP rs749446559, ClinGen allele CA3327647.

ClinVar aggregate classification (germline): Conflicting classifications of pathogenicity. Review status: criteria provided, conflicting classifications (1 of 4 stars). 6 submissions from 6 submitters: Uncertain significance (5); Likely benign (1). Last evaluated 2026-01-20.

Conditions:
Hereditary cancer-predisposing syndrome. Also called: Neoplastic Syndromes, Hereditary; Hereditary Cancer Syndrome; Tumor predisposition; Hereditary neoplastic syndrome. Identifiers: Orphanet 140162, MedGen C0027672, MeSH D009386, MONDO:0015356.

Allele frequency attached by ClinVar (database versions not stated): gnomAD exomes 0.00001 and 0.00002; ExAC 0.00002; TOPMed 0.00002; gnomAD 0.00003.
gnomAD v4.1: 18 of 1,613,842 alleles (0.0011%); highest among the groups gnomAD compares: Middle Eastern, 0.016%; no homozygotes.

Submissions (6):

Labcorp Genetics (formerly Invitae), Labcorp
Classification: Uncertain significance. Last evaluated: 2026-01-20. Review status: criteria provided, single submitter. Criteria: Invitae Variant Classification Sherloc (09022015). Collection method: clinical testing. Allele origin: germline.
Comment: This sequence change replaces aspartic acid, which is acidic and polar, with glutamic acid, which is acidic and polar, at codon 194 of the MSH3 protein (p.Asp194Glu). This variant is present in population databases (rs749446559, gnomAD 0.006%). This variant has not been reported in the literature in individuals affected with MSH3-related conditions. ClinVar contains an entry for this variant (Variation ID: 643090). An algorithm developed to predict the effect of missense changes on protein structure and function (PolyPhen-2) suggests that this variant is likely to be tolerated. In summary, the available evidence is currently insufficient to determine the role of this variant in disease. Therefore, it has been classified as a Variant of Uncertain Significance.

Center for Genomic Medicine, Rigshospitalet, Copenhagen University Hospital
Classification: Uncertain significance. Last evaluated: 2025-12-29. Review status: criteria provided, single submitter. Criteria: ACMG Guidelines, 2015. Collection method: clinical testing. Allele origin: germline.

Ambry Genetics
Classification: Uncertain significance for Hereditary cancer-predisposing syndrome. Last evaluated: 2024-01-08. Review status: criteria provided, single submitter. Criteria: Ambry Variant Classification Scheme 2023. Collection method: clinical testing. Allele origin: germline.
Comment: The p.D194E variant (also known as c.582C>G), located in coding exon 4 of the MSH3 gene, results from a C to G substitution at nucleotide position 582. The aspartic acid at codon 194 is replaced by glutamic acid, an amino acid with highly similar properties. This amino acid position is not well conserved in available vertebrate species. In addition, this alteration is predicted to be tolerated by in silico analysis. Since supporting evidence is limited at this time, the clinical significance of this alteration remains unclear.

GeneDx
Classification: Uncertain significance. Last evaluated: 2023-05-08. Review status: criteria provided, single submitter. Criteria: GeneDx Variant Classification Process June 2021. Collection method: clinical testing. Allele origin: germline. Affected: yes.
Comment: Not observed at significant frequency in large population cohorts (gnomAD); In silico analysis supports that this missense variant does not alter protein structure/function; Has not been previously published as pathogenic or benign to our knowledge

CeGaT Center for Human Genetics Tuebingen
Classification: Likely benign. Last evaluated: 2022-07-01. Review status: criteria provided, single submitter. Criteria: CeGaT Center For Human Genetics Tuebingen Variant Classification Criteria Version 2. Collection method: clinical testing. Allele origin: germline. Affected: yes. Observed: 1 variant allele.
Comment: MSH3: BP4

Sema4
Classification: Uncertain significance for Hereditary cancer-predisposing syndrome. Last evaluated: 2021-12-20. Review status: criteria provided, single submitter. Criteria: Sema4 Curation Guidelines. Collection method: curation. Allele origin: germline.
Comment: The MSH3 c.582C>G (p.D194E) variant has not been reported in the literature to our knowledge. It was observed in 6/282520 chromosomes in the large and broad cohorts of the Genome Aggregation Database (PMID: 32461654). This variant has been reported in ClinVar (Variation ID 643090). Functional studies have not been performed, and in silico predictions of the variant's effect on protein function are inconclusive. The evidence is insufficient to meet ACMG/AMP criteria for classifying the variant as benign or pathogenic. Thus, the clinical significance of this variant is currently uncertain.